The following is an entry in ClinVar:

NM_000051.4(ATM):c.3154-9T>C

Gene: ATM (ATM serine/threonine kinase; plus strand). Cytogenetic location: 11q22.3.
Variant type: single nucleotide variant.
Coding change: c.3154-9T>C on transcript NM_000051.4 (MANE Select); 9 bases into the intron before coding-DNA position 3154, T replaced by C.
Molecular consequence: intron variant.
Genome position (GRCh38, 1-based): chr11:108,272,713, T>C. VCF-style: chr11-108272713-T-C. GRCh37 (hg19) VCF-style: chr11-108143440-T-C.
Other names: c.3154-9T>C (NM_001351834.2).
Identifiers: ClinVar variation 1605077 (VCV001605077.9), dbSNP rs2135569385, ClinGen allele CA2573146646.
Genomic context (GRCh38, chr11:108,272,713, plus strand): 5'-AAGCAGTCTTTGTTTGTTAATGAGTAATTTTTCTCTATTTCATATTTAACCACAGTTCTT[T>C]TCCCGTAGGCTGATCCTTATTCAAAATGGGCCATTCTTAATGTAATGGGAAAAGACTTTC-3'

ClinVar aggregate classification (germline): Likely benign. Review status: criteria provided, multiple submitters, no conflicts (2 of 4 stars). 2 submissions from 2 submitters: Likely benign (2). Last evaluated 2024-05-13.

Conditions:
Familial cancer of breast. Also called: hereditary breast carcinoma; Hereditary breast cancer; BREAST CANCER, FAMILIAL. Identifiers: Orphanet 227535, MedGen C0346153, MONDO:0016419, OMIM 114480. Disease mechanism: loss of function.
Ataxia-telangiectasia syndrome (AT). Also called: ATAXIA-TELANGIECTASIA, FRESNO VARIANT; AT, COMPLEMENTATION GROUP C; LOUIS-BAR SYNDROME; Ataxia telangiectasia (A-T); Cerebello-oculocutaneous telangiectasia; Immunodeficiency with ataxia telangiectasia. Identifiers: Orphanet 100, MedGen C0004135, MONDO:0008840, OMIM 208900.

Submissions (2):

Myriad Genetics, Inc.
Classification: Likely benign for Familial cancer of breast. Last evaluated: 2024-05-13. Review status: criteria provided, single submitter. Criteria: Myriad Autosomal Dominant, Autosomal Recessive and X-Linked Classification Criteria (2023). Collection method: clinical testing. Allele origin: unknown.
Comment: This variant is considered likely benign. This variant is intronic and is not expected to impact mRNA splicing.

Labcorp Genetics (formerly Invitae), Labcorp
Classification: Likely benign for Ataxia-telangiectasia syndrome. Last evaluated: 2024-03-10. Review status: criteria provided, single submitter. Criteria: Invitae Variant Classification Sherloc (09022015). Collection method: clinical testing. Allele origin: germline.